The following is an entry in ClinVar:

NM_003737.4(DCHS1):c.6355C>A (p.Pro2119Thr)

Gene: DCHS1 (dachsous cadherin-related 1; minus strand). Cytogenetic location: 11p15.4.
Variant type: single nucleotide variant.
Coding change: c.6355C>A on transcript NM_003737.4 (MANE Select); coding-DNA position 6355, C replaced by A.
Protein change: p.Pro2119Thr; replaces proline 2119 with threonine.
Molecular consequence: missense variant.
Genome position (GRCh38, 1-based): chr11:6,626,561, G>T on the plus strand (C>A on the coding strand, the complement: DCHS1 is on the minus strand). VCF-style: chr11-6626561-G-T. GRCh37 (hg19) VCF-style: chr11-6647792-G-T.
Other names: c.6355C>A (NM_003737.2); short protein forms P2119T.
Identifiers: ClinVar variation 2998453 (VCV002998453.4), dbSNP rs772150438, ClinGen allele CA5859889.

ClinVar aggregate classification (germline): Uncertain significance. Review status: criteria provided, multiple submitters, no conflicts (2 of 4 stars). 2 submissions from 2 submitters: Uncertain significance (2). Last evaluated 2025-06-03.

Conditions:
Inborn genetic diseases. Identifiers: MedGen C0950123, MeSH D030342.

Allele frequency attached by ClinVar (database versions not stated): TOPMed 0.00007.
gnomAD v4.1: 17 of 1,613,824 alleles (0.0011%); highest among the groups gnomAD compares: African/African-American, 0.023%; no homozygotes.

Submissions (2):

Ambry Genetics
Classification: Uncertain significance for Inborn genetic diseases. Last evaluated: 2025-06-03. Review status: criteria provided, single submitter. Criteria: Ambry Variant Classification Scheme 2023. Collection method: clinical testing. Allele origin: germline.

Labcorp Genetics (formerly Invitae), Labcorp
Classification: Uncertain significance. Last evaluated: 2023-05-05. Review status: criteria provided, single submitter. Criteria: Invitae Variant Classification Sherloc (09022015). Collection method: clinical testing. Allele origin: germline.
Comment: In summary, the available evidence is currently insufficient to determine the role of this variant in disease. Therefore, it has been classified as a Variant of Uncertain Significance. Advanced modeling of protein sequence and biophysical properties (such as structural, functional, and spatial information, amino acid conservation, physicochemical variation, residue mobility, and thermodynamic stability) performed at Invitae indicates that this missense variant is expected to disrupt DCHS1 protein function. This variant has not been reported in the literature in individuals affected with DCHS1-related conditions. This variant is present in population databases (rs772150438, gnomAD 0.03%). This sequence change replaces proline, which is neutral and non-polar, with threonine, which is neutral and polar, at codon 2119 of the DCHS1 protein (p.Pro2119Thr).